The following is an entry in ClinVar:

NM_001458.5(FLNC):c.7171C>T (p.His2391Tyr)

Genes: FLNC-AS1 (FLNC antisense RNA 1; minus strand), FLNC (filamin C; plus strand). Cytogenetic location: 7q32.1.
Variant type: single nucleotide variant.
Coding change: c.7171C>T on transcript NM_001458.5 (MANE Select); coding-DNA position 7171, C replaced by T.
Protein change: p.His2391Tyr; replaces histidine 2391 with tyrosine.
Molecular consequence: missense variant.
Genome position (GRCh38, 1-based): chr7:128,855,234, C>T. VCF-style: chr7-128855234-C-T. GRCh37 (hg19) VCF-style: chr7-128495288-C-T.
Other names: c.7072C>T, p.His2358Tyr (NM_001127487.2); short protein forms H2391Y, H2358Y.
Identifiers: ClinVar variation 539339 (VCV000539339.12), dbSNP rs1554401558, ClinGen allele CA369215679.

ClinVar aggregate classification (germline): Uncertain significance. Review status: criteria provided, multiple submitters, no conflicts (2 of 4 stars). 3 submissions from 3 submitters: Uncertain significance (3). Last evaluated 2026-01-06.

Conditions:
Distal myopathy with posterior leg and anterior hand involvement. Also called: WILLIAMS DISTAL MYOPATHY. Identifiers: Orphanet 63273, MedGen C3279722, MONDO:0013550, OMIM 614065.
Myofibrillar myopathy 5. Also called: Filaminopathy (type); FILAMINOPATHY, AUTOSOMAL DOMINANT. Identifiers: Orphanet 171445, MedGen C1836050, MONDO:0012289, OMIM 609524.
Hypertrophic cardiomyopathy 26. Also called: Cardiomyopathy, familial hypertrophic, 26. Identifiers: Orphanet 75249, MedGen C4310749, MONDO:0014883, OMIM 617047.

Submissions (3):

Labcorp Genetics (formerly Invitae), Labcorp
Classification: Uncertain significance for Distal myopathy with posterior leg and anterior hand involvement; Myofibrillar myopathy 5; Hypertrophic cardiomyopathy 26. Last evaluated: 2026-01-06. Review status: criteria provided, single submitter. Criteria: Invitae Variant Classification Sherloc (09022015). Collection method: clinical testing. Allele origin: germline.
Comment: This sequence change replaces histidine, which is basic and polar, with tyrosine, which is neutral and polar, at codon 2391 of the FLNC protein (p.His2391Tyr). This variant is not present in population databases (gnomAD no frequency). This variant has not been reported in the literature in individuals affected with FLNC-related conditions. ClinVar contains an entry for this variant (Variation ID: 539339). Invitae Evidence Modeling of protein sequence and biophysical properties (such as structural, functional, and spatial information, amino acid conservation, physicochemical variation, residue mobility, and thermodynamic stability) indicates that this missense variant is not expected to disrupt FLNC protein function with a negative predictive value of 95%. In summary, the available evidence is currently insufficient to determine the role of this variant in disease. Therefore, it has been classified as a Variant of Uncertain Significance.

GeneDx
Classification: Uncertain significance. Last evaluated: 2025-08-16. Review status: criteria provided, single submitter. Criteria: GeneDx Variant Classification Process June 2021. Collection method: clinical testing. Allele origin: germline. Affected: yes.
Comment: Not observed at significant frequency in large population cohorts (gnomAD); In silico analysis supports that this missense variant has a deleterious effect on protein structure/function; Has not been previously published as pathogenic or benign to our knowledge

Breakthrough Genomics
Classification: Uncertain significance. Review status: criteria provided, single submitter. Criteria: ACMG Guidelines, 2015. Collection method: not provided. Allele origin: germline. Inheritance: Autosomal recessive inheritance. Affected: yes.